The following is an entry in ClinVar:

NM_005475.3(SH2B3):c.437T>G (p.Phe146Cys)

Gene: SH2B3 (SH2B adaptor protein 3; plus strand). Cytogenetic location: 12q24.12.
Variant type: single nucleotide variant.
Coding change: c.437T>G on transcript NM_005475.3 (MANE Select); coding-DNA position 437, T replaced by G.
Protein change: p.Phe146Cys; replaces phenylalanine 146 with cysteine.
Molecular consequence: missense variant.
Genome position (GRCh38, 1-based): chr12:111,418,582, T>G. VCF-style: chr12-111418582-T-G. GRCh37 (hg19) VCF-style: chr12-111856386-T-G.
Other names: short protein forms F146C.
Identifiers: ClinVar variation 3795076 (VCV003795076.1).
Genomic context (GRCh38, chr12:111,418,582, plus strand): 5'-CGCCGCGGCCGCCCGGGCCCTGCTCCTTCCAGCACTTTCGCCGCAGCCTCCGCCACATCT[T>G]CCGCCGCCGCTCGGCCGGGGAGCTGCCAGCGGCCCACACCGCTGCCGCCCCCGGGACCCC-3'
Protein context (NP_005466.1, residues 136-156): QHFRRSLRHI[Phe146Cys]RRRSAGELPA

ClinVar aggregate classification (germline): Uncertain significance (1 of 4 stars; one submission).

Conditions:
Inborn genetic diseases. Identifiers: MedGen C0950123, MeSH D030342.

gnomAD v4.1: 1 of 1,484,590 alleles (0.000067%); highest among the groups gnomAD compares: Non-Finnish European, 0.000089%; no homozygotes.

Submission:

Ambry Genetics
Classification: Uncertain significance for Inborn genetic diseases. Last evaluated: 2025-01-05. Review status: criteria provided, single submitter. Criteria: Ambry Variant Classification Scheme 2023. Collection method: clinical testing. Allele origin: germline.
Comment: The p.F146C variant (also known as c.437T>G), located in coding exon 1 of the SH2B3 gene, results from a T to G substitution at nucleotide position 437. The phenylalanine at codon 146 is replaced by cysteine, an amino acid with highly dissimilar properties. This amino acid position is conserved. In addition, this alteration is predicted to be tolerated by in silico analysis. Based on the available evidence, the clinical significance of this variant remains unclear.